The following is an entry in ClinVar:

NM_001212.4(C1QBP):c.307C>A (p.Pro103Thr)

Gene: C1QBP (complement C1q binding protein; minus strand). Cytogenetic location: 17p13.2.
Variant type: single nucleotide variant.
Coding change: c.307C>A on transcript NM_001212.4 (MANE Select); coding-DNA position 307, C replaced by A.
Protein change: p.Pro103Thr; replaces proline 103 with threonine.
Molecular consequence: missense variant.
Genome position (GRCh38, 1-based): chr17:5,438,199, G>T on the plus strand (C>A on the coding strand, the complement: C1QBP is on the minus strand). VCF-style: chr17-5438199-G-T. GRCh37 (hg19) VCF-style: chr17-5341519-G-T.
Other names: short protein forms P103T.
Identifiers: ClinVar variation 1937196 (VCV001937196.2), dbSNP rs1916326871, ClinGen allele CA397373271.

ClinVar aggregate classification (germline): Uncertain significance (1 of 4 stars; one submission).

Allele frequency attached by ClinVar (database versions not stated): gnomAD 0.00001.
gnomAD v4.1: 1 of 1,613,786 alleles (0.000062%); highest among the groups gnomAD compares: Non-Finnish European, 0.000085%; no homozygotes.

Submission:

Labcorp Genetics (formerly Invitae), Labcorp
Classification: Uncertain significance. Last evaluated: 2022-08-09. Review status: criteria provided, single submitter. Criteria: Invitae Variant Classification Sherloc (09022015). Collection method: clinical testing. Allele origin: germline.
Comment: This sequence change replaces proline, which is neutral and non-polar, with threonine, which is neutral and polar, at codon 103 of the C1QBP protein (p.Pro103Thr). This variant is not present in population databases (gnomAD no frequency). This variant has not been reported in the literature in individuals affected with C1QBP-related conditions. Algorithms developed to predict the effect of missense changes on protein structure and function are either unavailable or do not agree on the potential impact of this missense change (SIFT: "Deleterious"; PolyPhen-2: "Probably Damaging"; Align-GVGD: "Class C0"). In summary, the available evidence is currently insufficient to determine the role of this variant in disease. Therefore, it has been classified as a Variant of Uncertain Significance.